The following is an entry in ClinVar:

ClinVar aggregate classification (germline): Uncertain significance (1 of 4 stars; one submission).

Submission:

Labcorp Genetics (formerly Invitae), Labcorp
Classification: Uncertain significance. Last evaluated: 2023-11-07. Review status: criteria provided, single submitter. Criteria: Invitae Variant Classification Sherloc (09022015). Collection method: clinical testing. Allele origin: germline.
Comment: This sequence change replaces glycine, which is neutral and non-polar, with cysteine, which is neutral and slightly polar, at codon 202 of the IHH protein (p.Gly202Cys). This variant is present in population databases (no rsID available, gnomAD 0.003%). This variant has not been reported in the literature in individuals affected with IHH-related conditions. Advanced modeling of protein sequence and biophysical properties (such as structural, functional, and spatial information, amino acid conservation, physicochemical variation, residue mobility, and thermodynamic stability) performed at Invitae indicates that this missense variant is expected to disrupt IHH protein function with a positive predictive value of 80%. In summary, the available evidence is currently insufficient to determine the role of this variant in disease. Therefore, it has been classified as a Variant of Uncertain Significance.

NM_002181.4(IHH):c.604G>T (p.Gly202Cys)

Gene: IHH (Indian hedgehog signaling molecule; minus strand). Cytogenetic location: 2q35.
Variant type: single nucleotide variant.
Coding change: c.604G>T on transcript NM_002181.4 (MANE Select); coding-DNA position 604, G replaced by T.
Protein change: p.Gly202Cys; replaces glycine 202 with cysteine.
Molecular consequence: missense variant.
Genome position (GRCh38, 1-based): chr2:219,055,839, C>A on the plus strand (G>T on the coding strand, the complement: IHH is on the minus strand). VCF-style: chr2-219055839-C-A. GRCh37 (hg19) VCF-style: chr2-219920561-C-A.
Other names: short protein forms G202C.
Identifiers: ClinVar variation 2694094 (VCV002694094.3), dbSNP rs750588083, ClinGen allele CA350633437.